The following is an entry in ClinVar:

NM_001903.5(CTNNA1):c.871G>A (p.Val291Met)

Gene: CTNNA1 (catenin alpha 1; plus strand). Cytogenetic location: 5q31.2.
Variant type: single nucleotide variant.
Coding change: c.871G>A on transcript NM_001903.5 (MANE Select); coding-DNA position 871, G replaced by A.
Protein change: p.Val291Met; replaces valine 291 with methionine.
Molecular consequence: missense variant.
Genome position (GRCh38, 1-based): chr5:138,827,527, G>A. VCF-style: chr5-138827527-G-A. GRCh37 (hg19) VCF-style: chr5-138163216-G-A.
Other names: c.871G>A, p.Val291Met (NM_001290307.3, NM_001323982.2, NM_001323983.1 and 3 more transcripts); c.562G>A, p.Val188Met (NM_001290309.3); c.502G>A, p.Val168Met (NM_001290310.3); short protein forms V188M, V291M, V168M.
Identifiers: ClinVar variation 3653837 (VCV003653837.2).

ClinVar aggregate classification (germline): Uncertain significance (1 of 4 stars; one submission).

gnomAD v4.1: 2 of 1,614,216 alleles (0.00012%); highest among the groups gnomAD compares: Non-Finnish European, 0.00017%; no homozygotes.

Submission:

Labcorp Genetics (formerly Invitae), Labcorp
Classification: Uncertain significance. Last evaluated: 2024-05-19. Review status: criteria provided, single submitter. Criteria: Invitae Variant Classification Sherloc (09022015). Collection method: clinical testing. Allele origin: germline.
Comment: This sequence change replaces valine, which is neutral and non-polar, with methionine, which is neutral and non-polar, at codon 291 of the CTNNA1 protein (p.Val291Met). This variant is not present in population databases (gnomAD no frequency). This variant has not been reported in the literature in individuals affected with CTNNA1-related conditions. Advanced modeling of protein sequence and biophysical properties (such as structural, functional, and spatial information, amino acid conservation, physicochemical variation, residue mobility, and thermodynamic stability) performed at Invitae indicates that this missense variant is not expected to disrupt CTNNA1 protein function with a negative predictive value of 80%. In summary, the available evidence is currently insufficient to determine the role of this variant in disease. Therefore, it has been classified as a Variant of Uncertain Significance.